The following is an entry in ClinVar:

ClinVar aggregate classification (germline): Uncertain significance (1 of 4 stars; one submission).

Conditions:
Hereditary diffuse gastric adenocarcinoma (HDGC). Also called: DIFFUSE GASTRIC AND LOBULAR BREAST CANCER SYNDROME. Identifiers: Orphanet 26106, MedGen C1708349, MONDO:0007648, OMIM 137215.

Submission:

Labcorp Genetics (formerly Invitae), Labcorp
Classification: Uncertain significance for Hereditary diffuse gastric adenocarcinoma. Last evaluated: 2023-07-10. Review status: criteria provided, single submitter. Criteria: Invitae Variant Classification Sherloc (09022015). Collection method: clinical testing. Allele origin: germline.
Comment: Algorithms developed to predict the effect of missense changes on protein structure and function output the following: SIFT: "Not Available"; PolyPhen-2: "Benign"; Align-GVGD: "Not Available". The isoleucine amino acid residue is found in multiple mammalian species, which suggests that this missense change does not adversely affect protein function. This sequence change replaces valine, which is neutral and non-polar, with isoleucine, which is neutral and non-polar, at codon 114 of the CDH1 protein (p.Val114Ile). This variant is not present in population databases (gnomAD no frequency). This variant has not been reported in the literature in individuals affected with CDH1-related conditions. In summary, the available evidence is currently insufficient to determine the role of this variant in disease. Therefore, it has been classified as a Variant of Uncertain Significance.

NM_004360.5(CDH1):c.340G>A (p.Val114Ile)

Gene: CDH1 (cadherin 1; plus strand). Cytogenetic location: 16q22.1.
Variant type: single nucleotide variant.
Coding change: c.340G>A on transcript NM_004360.5 (MANE Select); coding-DNA position 340, G replaced by A.
Protein change: p.Val114Ile; replaces valine 114 with isoleucine.
Molecular consequence: missense variant. On other transcripts: 5 prime UTR variant (2).
Genome position (GRCh38, 1-based): chr16:68,801,846, G>A. VCF-style: chr16-68801846-G-A. GRCh37 (hg19) VCF-style: chr16-68835749-G-A.
Other names: c.340G>A, p.Val114Ile (NM_001317184.2); c.-1276G>A (NM_001317185.2); c.-1480G>A (NM_001317186.2); short protein forms V114I.
Identifiers: ClinVar variation 2740509 (VCV002740509.3), dbSNP rs2152126965, ClinGen allele CA396457422.